The following is an entry in ClinVar:

ClinVar aggregate classification (germline): Uncertain significance (1 of 4 stars; one submission).

Conditions:
Nephronophthisis 14 (NPHP14). Identifiers: Orphanet 2318, MedGen C3539071, MONDO:0013916, OMIM 614844.

Allele frequency attached by ClinVar (database versions not stated): ESP Exome Variant Server 0.00008.
gnomAD v4.1: 12 of 1,609,800 alleles (0.00075%); highest among the groups gnomAD compares: Middle Eastern, 0.033%; no homozygotes.

Submission:

Labcorp Genetics (formerly Invitae), Labcorp
Classification: Uncertain significance for Nephronophthisis 14. Last evaluated: 2022-07-05. Review status: criteria provided, single submitter. Criteria: Invitae Variant Classification Sherloc (09022015). Collection method: clinical testing. Allele origin: germline.
Comment: ClinVar contains an entry for this variant (Variation ID: 1427650). This variant has not been reported in the literature in individuals affected with ZNF423-related conditions. The frequency data for this variant in the population databases is considered unreliable, as metrics indicate poor data quality at this position in the gnomAD database. This sequence change replaces arginine, which is basic and polar, with histidine, which is basic and polar, at codon 1144 of the ZNF423 protein (p.Arg1144His). Algorithms developed to predict the effect of missense changes on protein structure and function are either unavailable or do not agree on the potential impact of this missense change (SIFT: "Deleterious"; PolyPhen-2: "Possibly Damaging"; Align-GVGD: "Class C0"). In summary, the available evidence is currently insufficient to determine the role of this variant in disease. Therefore, it has been classified as a Variant of Uncertain Significance.

NM_001379286.1(ZNF423):c.3455G>A (p.Arg1152His)

Gene: ZNF423 (zinc finger protein 423; minus strand). Cytogenetic location: 16q12.1.
Variant type: single nucleotide variant.
Coding change: c.3455G>A on transcript NM_001379286.1 (MANE Select); coding-DNA position 3455, G replaced by A.
Protein change: p.Arg1152His; replaces arginine 1152 with histidine.
Molecular consequence: missense variant.
Genome position (GRCh38, 1-based): chr16:49,635,721, C>T on the plus strand (G>A on the coding strand, the complement: ZNF423 is on the minus strand). VCF-style: chr16-49635721-C-T. GRCh37 (hg19) VCF-style: chr16-49669632-C-T.
Other names: c.3251G>A, p.Arg1084His (NM_001271620.2); c.3080G>A, p.Arg1027His (NM_001330533.2); c.3431G>A, p.Arg1144His (NM_015069.5); short protein forms R1144H, R1027H, R1152H, R1084H.
Identifiers: ClinVar variation 1427650 (VCV001427650.6), dbSNP rs375010326, ClinGen allele CA8046300.